The following is an entry in ClinVar:

NM_001368894.2(PAX6):c.1154C>T (p.Thr385Ile)

Gene: PAX6 (paired box 6; minus strand). Cytogenetic location: 11p13.
Variant type: single nucleotide variant.
Coding change: c.1154C>T on transcript NM_001368894.2 (MANE Select); coding-DNA position 1154, C replaced by T.
Protein change: p.Thr385Ile; replaces threonine 385 with isoleucine.
Molecular consequence: missense variant. On other transcripts: non-coding transcript variant (1), intron variant (9).
Genome position (GRCh38, 1-based): chr11:31,790,781, G>A on the plus strand (C>T on the coding strand, the complement: PAX6 is on the minus strand). VCF-style: chr11-31790781-G-A. GRCh37 (hg19) VCF-style: chr11-31812329-G-A.
Other names: c.1112C>T, p.Thr371Ile (NM_000280.6, NM_001127612.3, NM_001258464.2 and 6 more transcripts); c.1154C>T, p.Thr385Ile (NM_001258462.3, NM_001258463.2, NM_001310158.2 and 3 more transcripts); c.704C>T, p.Thr235Ile (NM_001310160.2, NM_001310161.3, NM_001368899.2 and 10 more transcripts); c.1355C>T, p.Thr452Ile (NM_001368910.2); c.1229C>T, p.Thr410Ile (NM_001368918.2, NM_001368919.2); c.1187C>T, p.Thr396Ile (NM_001368920.2); c.953C>T, p.Thr318Ile (NM_001368922.2, NM_001368923.2, NM_001368924.2 and 3 more transcripts); c.911C>T, p.Thr304Ile (NM_001368928.2); and 6 more; short protein forms T318I, T396I, T170I, T235I, T304I, T371I, T385I, T410I.
Identifiers: ClinVar variation 2058958 (VCV002058958.4), dbSNP rs780842357, ClinGen allele CA219479213.
Genomic context (GRCh38, chr11:31,790,781, plus strand): 5'-GTGCCCGAGGTGCCCATTGGCTGACTGTTCATGTGTGTCTGCATATGTGGGGGGGTGTAG[G>A]TATCATAACTCCGCCCATTCACCGAAGGGCTGGTGGGCAGCATGCAGGAGTATGAGGAGG-3'
Protein context (NP_001355823.1, residues 375-395): SPSVNGRSYD[Thr385Ile]YTPPHMQTHM

ClinVar aggregate classification (germline): Uncertain significance (1 of 4 stars; one submission).

Conditions:
Aniridia 1 (AN1). Identifiers: Orphanet 250923, MedGen C0344542, MONDO:0024507, OMIM 106210.
Irido-corneo-trabecular dysgenesis (ASGD5). Also called: ANTERIOR SEGMENT DYSGENESIS 5. Identifiers: Orphanet 708, MedGen C0344559, MONDO:0011414, OMIM 604229, HP:0000659.

gnomAD v4.1: 2 of 1,614,060 alleles (0.00012%); highest among the groups gnomAD compares: Non-Finnish European, 0.00017%; no homozygotes.

Submission:

Labcorp Genetics (formerly Invitae), Labcorp
Classification: Uncertain significance for Aniridia 1; Irido-corneo-trabecular dysgenesis. Last evaluated: 2023-08-10. Review status: criteria provided, single submitter. Criteria: Invitae Variant Classification Sherloc (09022015). Collection method: clinical testing. Allele origin: germline.
Comment: This sequence change replaces threonine, which is neutral and polar, with isoleucine, which is neutral and non-polar, at codon 371 of the PAX6 protein (p.Thr371Ile). This variant is not present in population databases (gnomAD no frequency). This variant has not been reported in the literature in individuals affected with PAX6-related conditions. ClinVar contains an entry for this variant (Variation ID: 2058958). Advanced modeling of protein sequence and biophysical properties (such as structural, functional, and spatial information, amino acid conservation, physicochemical variation, residue mobility, and thermodynamic stability) performed at Invitae indicates that this missense variant is not expected to disrupt PAX6 protein function. In summary, the available evidence is currently insufficient to determine the role of this variant in disease. Therefore, it has been classified as a Variant of Uncertain Significance.